The following is an entry in ClinVar:

NM_000384.3(APOB):c.4162C>T (p.Arg1388Cys)

Gene: APOB (apolipoprotein B; minus strand). Cytogenetic location: 2p24.1.
Variant type: single nucleotide variant.
Coding change: c.4162C>T on transcript NM_000384.3 (MANE Select); coding-DNA position 4162, C replaced by T.
Protein change: p.Arg1388Cys; replaces arginine 1388 with cysteine.
Molecular consequence: missense variant.
Genome position (GRCh38, 1-based): chr2:21,013,214, G>A on the plus strand (C>T on the coding strand, the complement: APOB is on the minus strand). VCF-style: chr2-21013214-G-A. GRCh37 (hg19) VCF-style: chr2-21236086-G-A.
Other names: short protein forms R1388C.
Identifiers: ClinVar variation 74419 (VCV000074419.9), dbSNP rs267599185, ClinGen allele CA060611.

ClinVar aggregate classification (germline): Conflicting classifications of pathogenicity. Review status: criteria provided, conflicting classifications (1 of 4 stars). 5 submissions from 4 submitters: Uncertain significance (3); Likely benign (2). Last evaluated 2025-04-09.

Conditions:
Cardiovascular phenotype. Identifiers: MedGen CN230736.
Familial hypobetalipoproteinemia 1. Also called: APOB-Related Familial Hypobetalipoproteinemia; Hypobetalipoproteinemia, normotriglyceridemic; Acanthocytosis with hypobetalipoproteinemia. Identifiers: MedGen C4551990, MONDO:0014252, OMIM 615558.
Hypercholesterolemia, autosomal dominant, type B (FHCL2). Also called: HYPERCHOLESTEROLEMIA, FAMILIAL, DUE TO LIGAND-DEFECTIVE APOLIPOPROTEIN B; Familial hypercholesterolemia 2; APOB-Related Familial Hypercholesterolemia, Autosomal Dominant; Familial Hypercholesterolemia Type B; APOLIPOPROTEIN B-100, FAMILIAL DEFECTIVE; APOLIPOPROTEIN B-100, FAMILIAL LIGAND-DEFECTIVE. Identifiers: MedGen C1704417, MONDO:0007751, OMIM 144010.

Allele frequency attached by ClinVar (database versions not stated): TOPMed 0.00003.

Submissions (5):

Molecular Diagnostic Laboratory for Inherited Cardiovascular Disease, Montreal Heart Institute
Classification: Likely benign. Last evaluated: 2025-04-09. Review status: criteria provided, single submitter. Criteria: ACMG Guidelines, 2015. Collection method: clinical testing. Allele origin: germline. Affected: no.
Comment: PM2, BP4

Labcorp Genetics (formerly Invitae), Labcorp
Classification: Likely benign for Familial hypobetalipoproteinemia 1; Hypercholesterolemia, autosomal dominant, type B. Last evaluated: 2024-04-17. Review status: criteria provided, single submitter. Criteria: Invitae Variant Classification Sherloc (09022015). Collection method: clinical testing. Allele origin: germline.

Ambry Genetics
Classification: Uncertain significance for Cardiovascular phenotype. Last evaluated: 2021-12-15. Review status: criteria provided, single submitter. Criteria: Ambry Variant Classification Scheme 2023. Collection method: clinical testing. Allele origin: germline.
Comment: The p.R1388C variant (also known as c.4162C>T), located in coding exon 25 of the APOB gene, results from a C to T substitution at nucleotide position 4162. The arginine at codon 1388 is replaced by cysteine, an amino acid with highly dissimilar properties. This amino acid position is poorly conserved in available vertebrate species. In addition, this alteration is predicted to be tolerated by in silico analysis. Since supporting evidence is limited at this time, the clinical significance of this alteration remains unclear.

Illumina Laboratory Services, Illumina
Classification: Uncertain significance for Hypercholesterolemia, autosomal dominant, type B. Last evaluated: 2017-04-27. Review status: criteria provided, single submitter. Criteria: ICSL Variant Classification Criteria 13 December 2019. Collection method: clinical testing. Allele origin: germline.

Illumina Laboratory Services, Illumina
Classification: Uncertain significance for Familial hypobetalipoproteinemia 1. Last evaluated: 2017-04-27. Review status: criteria provided, single submitter. Criteria: ICSL Variant Classification Criteria 13 December 2019. Collection method: clinical testing. Allele origin: germline.